The following is an entry in ClinVar:

NM_000439.5(PCSK1):c.568A>G (p.Asn190Asp)

Genes: CAST (calpastatin; plus strand), PCSK1 (proprotein convertase subtilisin/kexin type 1; minus strand), LOC101929710 (uncharacterized LOC101929710; plus strand). Cytogenetic location: 5q15.
Variant type: single nucleotide variant.
Coding change: c.568A>G on transcript NM_000439.5 (MANE Select); coding-DNA position 568, A replaced by G.
Protein change: p.Asn190Asp; replaces asparagine 190 with aspartic acid.
Molecular consequence: missense variant. On other transcripts: intron variant (11).
Genome position (GRCh38, 1-based): chr5:96,421,932, T>C on the plus strand (A>G on the coding strand, the complement: PCSK1 is on the minus strand). VCF-style: chr5-96421932-T-C. GRCh37 (hg19) VCF-style: chr5-95757636-T-C.
Other names: c.427A>G, p.Asn143Asp (NM_001177875.2); c.-175+42280T>C (NM_001423254.1, NM_001423259.1, NM_001423255.1 and 6 more transcripts); c.-103+42280T>C (NM_001423253.1); c.-40+42280T>C (NM_001423258.1); short protein forms N143D, N190D.
Identifiers: ClinVar variation 3415919 (VCV003415919.2).
Genomic context (GRCh38, chr5:96,421,932, plus strand): 5'-TTACTCACTTGTTCTCGTTTGTGGGATCATATCGGGGAAATGGATCATGGTCATTATCAT[T>C]AAAATCATAGCTAGCCTCTGGATCCTAAAGAGACAACAAAATATAACACTGTGGCAGCAT-3'
Protein context (NP_000430.3, residues 180-200): NYDPEASYDF[Asn190Asp]DNDHDPFPRY

ClinVar aggregate classification (germline): Uncertain significance. Review status: criteria provided, multiple submitters, no conflicts (2 of 4 stars). 2 submissions from 2 submitters: Uncertain significance (2). Last evaluated 2025-03-25.

Conditions:
Inborn genetic diseases. Identifiers: MedGen C0950123, MeSH D030342.
PCSK1-related disorder. Also called: PCSK1-related condition.

gnomAD v4.1: 5 of 1,572,040 alleles (0.00032%); highest among the groups gnomAD compares: African/African-American, 0.0056%; no homozygotes.

Submissions (2):

PreventionGenetics, part of Exact Sciences
Classification: Uncertain significance for PCSK1-related condition. Last evaluated: 2025-03-25. Review status: criteria provided, single submitter. Criteria: ACMG Guidelines, 2015. Collection method: clinical testing. Allele origin: germline.
Comment: The PCSK1 c.568A>G variant is predicted to result in the amino acid substitution p.Asn190Asp. To our knowledge, this variant has not been reported in the literature. This variant is reported in 0.0062% of alleles in individuals of African descent in gnomAD. At this time, the clinical significance of this variant is uncertain due to the absence of conclusive functional and genetic evidence.

Ambry Genetics
Classification: Uncertain significance for Inborn genetic diseases. Last evaluated: 2024-09-09. Review status: criteria provided, single submitter. Criteria: Ambry Variant Classification Scheme 2023. Collection method: clinical testing. Allele origin: germline.